The following is an entry in ClinVar:

NM_000077.5(CDKN2A):c.260G>A (p.Arg87Gln)

Gene: CDKN2A (cyclin dependent kinase inhibitor 2A; minus strand). Cytogenetic location: 9p21.3.
Variant type: single nucleotide variant.
Coding change: c.260G>A on transcript NM_000077.5; coding-DNA position 260, G replaced by A.
Protein change: p.Arg87Gln; replaces arginine 87 with glutamine.
Molecular consequence: missense variant (on NM_000077.6). On other transcripts: synonymous variant (1), 3 prime UTR variant (1).
Genome position (GRCh38, 1-based): chr9:21,971,099, C>T on the plus strand (G>A on the coding strand, the complement: CDKN2A is on the minus strand). VCF-style: chr9-21971099-C-T. GRCh37 (hg19) VCF-style: chr9-21971098-C-T.
Other names: c.260G>A, p.Arg87Gln (NM_000077.6, NM_001195132.2); c.107G>A, p.Arg36Gln (NM_001363763.2); c.303G>A, p.Pro101= (NM_058195.4); c.*183G>A (NM_058197.5); short protein forms R36Q, R87Q.
Identifiers: ClinVar variation 3230255 (VCV003230255.1), dbSNP rs878853647, ClinGen allele CA190730098.

ClinVar aggregate classification (germline): Uncertain significance (1 of 4 stars; one submission).

Conditions:
Hereditary cancer-predisposing syndrome. Also called: Tumor predisposition; Hereditary Cancer Syndrome; Hereditary neoplastic syndrome; Neoplastic Syndromes, Hereditary. Identifiers: Orphanet 140162, MedGen C0027672, MeSH D009386, MONDO:0015356.

Submission:

Ambry Genetics
Classification: Uncertain significance for Hereditary cancer-predisposing syndrome. Last evaluated: 2024-01-10. Review status: criteria provided, single submitter. Criteria: Ambry Variant Classification Scheme 2023. Collection method: clinical testing. Allele origin: germline.
Comment: The p.R87Q variant (also known as c.260G>A), located in coding exon 2 of the CDKN2A gene, results from a G to A substitution at nucleotide position 260. The arginine at codon 87 is replaced by glutamine, an amino acid with highly similar properties. This alteration was inconclusive in a cell cycle arrest assay (Miller PJ et al. Hum Mutat, 2011 Aug;32:900-11). This amino acid position is highly conserved in available vertebrate species. In addition, this alteration is predicted to be deleterious by in silico analysis. Since supporting evidence is limited at this time, the clinical significance of this alteration remains unclear.

Literature cited by the submitters: PubMed 21462282.